The following is an entry in ClinVar:

ClinVar aggregate classification (germline): Uncertain significance (1 of 4 stars; one submission).

Conditions:
Hereditary cancer-predisposing syndrome. Also called: Hereditary Cancer Syndrome; Hereditary neoplastic syndrome; Tumor predisposition; Neoplastic Syndromes, Hereditary. Identifiers: Orphanet 140162, MedGen C0027672, MeSH D009386, MONDO:0015356.

Submission:

Ambry Genetics
Classification: Uncertain significance for Hereditary cancer-predisposing syndrome. Last evaluated: 2024-09-30. Review status: criteria provided, single submitter. Criteria: Ambry Variant Classification Scheme 2023. Collection method: clinical testing. Allele origin: germline.
Comment: The p.A624G variant (also known as c.1871C>G), located in coding exon 10 of the ALK gene, results from a C to G substitution at nucleotide position 1871. The alanine at codon 624 is replaced by glycine, an amino acid with similar properties. This amino acid position is conserved. In addition, this alteration is predicted to be tolerated by in silico analysis. Based on the available evidence, the clinical significance of this variant remains unclear.

NM_004304.5(ALK):c.1871C>G (p.Ala624Gly)

Gene: ALK (ALK receptor tyrosine kinase; minus strand). Cytogenetic location: 2p23.2.
Variant type: single nucleotide variant.
Coding change: c.1871C>G on transcript NM_004304.5 (MANE Select); coding-DNA position 1871, C replaced by G.
Protein change: p.Ala624Gly; replaces alanine 624 with glycine.
Molecular consequence: missense variant.
Genome position (GRCh38, 1-based): chr2:29,275,443, G>C on the plus strand (C>G on the coding strand, the complement: ALK is on the minus strand). VCF-style: chr2-29275443-G-C. GRCh37 (hg19) VCF-style: chr2-29498309-G-C.
Other names: short protein forms A624G.
Identifiers: ClinVar variation 3524785 (VCV003524785.1).